The following is an entry in ClinVar:

NM_001032386.2(SUOX):c.1312_1318del (p.Val438fs)

Gene: SUOX (sulfite oxidase; plus strand). Cytogenetic location: 12q13.2.
Variant type: Deletion.
Coding change: c.1312_1318del on transcript NM_001032386.2 (MANE Select); coding-DNA positions 1312 to 1318, 7 bases deleted (GTAGAAT; older notation c.1312_1318delGTAGAAT).
Protein change: p.Val438fs; shifts the reading frame from valine 438.
Molecular consequence: frameshift variant.
Genome position (GRCh38, 1-based): chr12:56,004,701-56,004,707, GTAGAAT deleted; deleting any 7 consecutive bases within chr12:56,004,700-56,004,707 gives the same sequence; the c. name uses the placement nearest the transcript's 3' end. VCF-style (leftmost placement, unchanged base first): chr12-56004699-CTGTAGAA-C. GRCh37 (hg19) VCF-style: chr12-56398483-CTGTAGAA-C.
Other names: c.1312_1318del, p.Val438fs (NM_000456.3, NM_001032387.2); short protein forms V438fs.
Identifiers: ClinVar variation 1401523 (VCV001401523.8), dbSNP rs770496917, ClinGen allele CA6621150.
Genomic context (GRCh38, chr12:56,004,699, plus strand): 5'-CTCCATCCATTCAGGAACTTCCTGTCCAGTCGGCCATCACAGAGCCCCGGGATGGAGAGA[CTGTAGAA>C]TCAGGGGAGGTGACCATCAAGGGCTATGCATGGAGTGGTGGTGGCAGGGCTGTGATCCGG-3'

ClinVar aggregate classification (germline): Pathogenic/Likely pathogenic. Review status: criteria provided, multiple submitters, no conflicts (2 of 4 stars). 2 submissions from 2 submitters: Pathogenic (1); Likely pathogenic (1). Last evaluated 2024-04-08.

Conditions:
Sulfite oxidase deficiency. Also called: Isolated sulfite oxidase deficiency. Identifiers: Orphanet 833, Orphanet 99731, MedGen C0268624, MONDO:0010089, OMIM 272300, HP:0003643.

Submissions (2):

Fulgent Genetics
Classification: Likely pathogenic for Sulfite oxidase deficiency. Last evaluated: 2024-04-08. Review status: criteria provided, single submitter. Criteria: ACMG Guidelines, 2015. Collection method: clinical testing. Allele origin: germline.

Labcorp Genetics (formerly Invitae), Labcorp
Classification: Pathogenic for Sulfite oxidase deficiency. Last evaluated: 2022-10-13. Review status: criteria provided, single submitter. Criteria: Invitae Variant Classification Sherloc (09022015). Collection method: clinical testing. Allele origin: germline.
Comment: This variant disrupts a region of the SUOX protein in which other variant(s) (p.Arg459Gln) have been determined to be pathogenic (PMID: 31870341). This suggests that this is a clinically significant region of the protein, and that variants that disrupt it are likely to be disease-causing. For these reasons, this variant has been classified as Pathogenic. ClinVar contains an entry for this variant (Variation ID: 1401523). This variant has not been reported in the literature in individuals affected with SUOX-related conditions. This variant is present in population databases (rs770496917, gnomAD 0.006%). This sequence change creates a premature translational stop signal (p.Val438Glnfs*4) in the SUOX gene. While this is not anticipated to result in nonsense mediated decay, it is expected to disrupt the last 108 amino acid(s) of the SUOX protein.

Literature cited by the submitters: PubMed 31870341 (cited by Labcorp Genetics (formerly Invitae), Labcorp).